The following is an entry in ClinVar:

ClinVar aggregate classification (germline): Conflicting classifications of pathogenicity. Review status: criteria provided, conflicting classifications (1 of 4 stars). 8 submissions from 8 submitters: Uncertain significance (5); Benign (1); Likely benign (2). Last evaluated 2026-01-18.

Conditions:
Ullrich congenital muscular dystrophy 1A. Also called: Intermediate COL6-RD; Ullrich congenital muscular dystrophy 1. Identifiers: Orphanet 75840, MedGen C0410179, MONDO:0009681, OMIM 254090.
Dystonia 27 (DYT27). Identifiers: Orphanet 464440, MedGen C4225336, MONDO:0014627, OMIM 616411.
Bethlem myopathy 1A. Also called: Bethlem Muscular Dystrophy; MYOPATHY, BENIGN CONGENITAL, WITH CONTRACTURES; Bethlem myopathy 1. Identifiers: Orphanet 610, MedGen CN029274, MONDO:0024530, OMIM 158810.
Collagen 6-related myopathy. Identifiers: MedGen CN117976, MONDO:0100225.

Allele frequency attached by ClinVar (database versions not stated): 1000 Genomes Project 30x 0.00016; ExAC 0.00019; 1000 Genomes Project 0.00020; gnomAD exomes 0.00021; ESP Exome Variant Server 0.00023; TOPMed 0.00028.
gnomAD v4.1: 599 of 1,614,204 alleles (0.037%); highest among the groups gnomAD compares: Non-Finnish European, 0.048%; no homozygotes.

Submissions (8):

Labcorp Genetics (formerly Invitae), Labcorp
Classification: Benign for Bethlem myopathy 1A. Last evaluated: 2026-01-18. Review status: criteria provided, single submitter. Criteria: Invitae Variant Classification Sherloc (09022015). Collection method: clinical testing. Allele origin: germline.

Women's Health and Genetics/Laboratory Corporation of America, LabCorp
Classification: Uncertain significance. Last evaluated: 2025-10-07. Review status: criteria provided, single submitter. Criteria: LabCorp Variant Classification Summary - May 2015. Collection method: clinical testing. Allele origin: germline.
Comment: Variant summary: COL6A3 c.3040A>G (p.Lys1014Glu) results in a conservative amino acid change in the encoded protein sequence. Algorithms developed to predict the effect of missense changes on protein structure and function are either unavailable or do not agree on the potential impact of this missense change. The variant allele was found at a frequency of 0.00021 in 251224 control chromosomes. This frequency is not significantly higher than estimated for disease-causing variants in COL6A3, allowing no conclusion about variant significance. c.3040A>G has been observed in heterozygous genotype in individuals affected with Ullrich congenital muscular dystrophy 1-AR or Bethlem myopathy without clear evidence of causality (Lampe_2005, Hicks_2008). These report(s) do not provide unequivocal conclusions about association of the variant with Ullrich congenital muscular dystrophy 1-AR. To our knowledge, no experimental evidence demonstrating an impact on protein function has been reported. The following publications have been ascertained in the context of this evaluation (PMID: 18378883, 15689448). ClinVar contains an entry for this variant (Variation ID: 162547). Based on the evidence outlined above, the variant was classified as uncertain significance.

Revvity Omics, Revvity
Classification: Uncertain significance. Last evaluated: 2025-05-12. Review status: criteria provided, single submitter. Criteria: ACMG Guidelines, 2015. Collection method: clinical testing. Allele origin: germline.

Department of Pathology and Laboratory Medicine, Sinai Health System
Classification: Uncertain significance for dystonia 27. Last evaluated: 2021-07-30. Review status: criteria provided, single submitter. Criteria: ACMG Guidelines, 2015. Collection method: research. Allele origin: germline.

Fulgent Genetics
Classification: Uncertain significance for Bethlem myopathy 1A; Ullrich congenital muscular dystrophy 1A; Dystonia 27. Last evaluated: 2017-05-23. Review status: criteria provided, single submitter. Criteria: ACMG Guidelines, 2015. Collection method: clinical testing. Allele origin: unknown.

Illumina Laboratory Services, Illumina
Classification: Likely benign for Collagen VI-related myopathy. Last evaluated: 2017-04-28. Review status: criteria provided, single submitter. Criteria: ICSL Variant Classification Criteria 13 December 2019. Collection method: clinical testing. Allele origin: germline.
Comment: This variant was observed as part of a predisposition screen in an ostensibly healthy population. A literature search was performed for the gene, cDNA change, and amino acid change (where applicable). Publications were found based on this search. The evidence from the literature, in combination with allele frequency data from public databases where available, was sufficient to determine this variant is unlikely to cause disease. Therefore, this variant is classified as likely benign.

Eurofins Ntd Llc (ga)
Classification: Uncertain significance. Last evaluated: 2017-01-19. Review status: criteria provided, single submitter. Criteria: EGL Classification Definitions 2015. Collection method: clinical testing. Allele origin: germline. Observed: 4 variant alleles, 4 heterozygotes.

PreventionGenetics, part of Exact Sciences
Classification: Likely benign. Review status: criteria provided, single submitter. Criteria: ACMG Guidelines, 2015. Collection method: clinical testing. Allele origin: germline.

Literature cited by the submitters: PubMed 15689448 (cited by Women's Health and Genetics/Laboratory Corporation of America, LabCorp and Illumina Laboratory Services, Illumina); PubMed 18378883 (cited by Women's Health and Genetics/Laboratory Corporation of America, LabCorp and Illumina Laboratory Services, Illumina).

NM_004369.4(COL6A3):c.3040A>G (p.Lys1014Glu)

Gene: COL6A3 (collagen type VI alpha 3 chain; minus strand). Cytogenetic location: 2q37.3.
Variant type: single nucleotide variant.
Coding change: c.3040A>G on transcript NM_004369.4 (MANE Select); coding-DNA position 3040, A replaced by G.
Protein change: p.Lys1014Glu; replaces lysine 1014 with glutamic acid.
Molecular consequence: missense variant.
Genome position (GRCh38, 1-based): chr2:237,376,802, T>C on the plus strand (A>G on the coding strand, the complement: COL6A3 is on the minus strand). VCF-style: chr2-237376802-T-C. GRCh37 (hg19) VCF-style: chr2-238285445-T-C.
Other names: c.1819A>G, p.Lys607Glu (NM_057164.5); c.2422A>G, p.Lys808Glu (NM_057165.5, NM_057167.4); c.1219A>G, p.Lys407Glu (NM_057166.5); short protein forms K1014E, K607E, K407E, K808E.
Identifiers: ClinVar variation 162547 (VCV000162547.27), dbSNP rs114284669, ClinGen allele CA247184.